The following is an entry in ClinVar:

NM_001369.3(DNAH5):c.2853_2854delinsT (p.Leu951fs)

Genes: DNAH5 (dynein axonemal heavy chain 5; minus strand), DNAH5-AS1 (DNAH5 antisense RNA 1; plus strand). Cytogenetic location: 5p15.2.
Variant type: Indel.
Coding change: c.2853_2854delinsT on transcript NM_001369.3 (MANE Select); coding-DNA positions 2853 to 2854, AG replaced by T.
Protein change: p.Leu951fs; shifts the reading frame from leucine 951.
Molecular consequence: frameshift variant.
Genome position (GRCh38, 1-based): chr5:13,885,118-13,885,119, CT replaced by A on the plus strand (AG replaced by T on the coding strand, the reverse complement: DNAH5 is on the minus strand). VCF-style: chr5-13885118-CT-A. GRCh37 (hg19) VCF-style: chr5-13885227-CT-A.
Other names: short protein forms L951fs.
Identifiers: ClinVar variation 5013189 (VCV005013189.1).

ClinVar aggregate classification (germline): Pathogenic (1 of 4 stars; one submission).

Conditions:
Primary ciliary dyskinesia 3. Identifiers: Orphanet 244, MedGen C1837618, MONDO:0012085, OMIM 608644.

Submission:

Myriad Genetics, Inc.
Classification: Pathogenic for Primary ciliary dyskinesia 3. Last evaluated: 2024-06-17. Review status: criteria provided, single submitter. Criteria: Myriad Autosomal Dominant, Autosomal Recessive and X-Linked Classification Criteria (2023). Collection method: clinical testing. Allele origin: unknown.
Comment: NM_001369.2(DNAH5):c.2853_2854delAGinsT(L951Ffs*21) is expected to be pathogenic in the context of primary ciliary dyskinesia, DNAH5-related. This variant is predicted to lead to an abnormal or absent protein product due to the creation of a premature termination codon in DNAH5, a gene where loss-of-function variants are known to be pathogenic. Please note: this variant was assessed in the context of healthy population screening.